The following is an entry in ClinVar:

ClinVar aggregate classification (germline): Uncertain significance. Review status: criteria provided, multiple submitters, no conflicts (2 of 4 stars). 3 submissions from 3 submitters: Uncertain significance (3). Last evaluated 2025-06-16.

Conditions:
Familial focal epilepsy with variable foci (FPEVF). Identifiers: Orphanet 98820, MedGen C1858477, MONDO:0020310.
Inborn genetic diseases. Identifiers: MedGen C0950123, MeSH D030342.

Allele frequency attached by ClinVar (database versions not stated): gnomAD exomes below 0.00001 and 0.00001; gnomAD 0.00001; TOPMed 0.00001.
gnomAD v4.1: 10 of 1,613,806 alleles (0.00062%); highest among the groups gnomAD compares: Non-Finnish European, 0.00085%; no homozygotes.

Submissions (3):

Labcorp Genetics (formerly Invitae), Labcorp
Classification: Uncertain significance for Familial focal epilepsy with variable foci. Last evaluated: 2025-06-16. Review status: criteria provided, single submitter. Criteria: Invitae Variant Classification Sherloc (09022015). Collection method: clinical testing. Allele origin: germline.
Comment: This sequence change replaces valine, which is neutral and non-polar, with methionine, which is neutral and non-polar, at codon 100 of the DEPDC5 protein (p.Val100Met). This variant is present in population databases (rs797045522, gnomAD 0.0009%). This variant has not been reported in the literature in individuals affected with DEPDC5-related conditions. ClinVar contains an entry for this variant (Variation ID: 210844). Experimental studies and prediction algorithms are not available or were not evaluated, and the functional significance of this variant is currently unknown. In summary, the available evidence is currently insufficient to determine the role of this variant in disease. Therefore, it has been classified as a Variant of Uncertain Significance.

Ambry Genetics
Classification: Uncertain significance for Inborn genetic diseases. Last evaluated: 2017-08-10. Review status: criteria provided, single submitter. Criteria: Ambry Variant Classification Scheme 2023. Collection method: clinical testing. Allele origin: germline.
Comment: The p.V100M variant (also known as c.298G>A), located in coding exon 5 of the DEPDC5 gene, results from a G to A substitution at nucleotide position 298. The valine at codon 100 is replaced by methionine, an amino acid with highly similar properties. This amino acid position is well conserved in available vertebrate species. In addition, the in silico prediction for this alteration is inconclusive. Since supporting evidence is limited at this time, the clinical significance of this alteration remains unclear.

Genetic Services Laboratory, University of Chicago
Classification: Uncertain significance. Last evaluated: 2014-12-11. Review status: criteria provided, single submitter. Criteria: ACMG Guidelines, 2015. Collection method: clinical testing. Allele origin: germline.

NM_001242896.3(DEPDC5):c.298G>A (p.Val100Met)

Gene: DEPDC5 (DEP domain containing 5, GATOR1 subcomplex subunit; plus strand). Cytogenetic location: 22q12.2.
Variant type: single nucleotide variant.
Coding change: c.298G>A on transcript NM_001242896.3 (MANE Select); coding-DNA position 298, G replaced by A.
Protein change: p.Val100Met; replaces valine 100 with methionine.
Molecular consequence: missense variant. On other transcripts: non-coding transcript variant (5), intron variant (2).
Genome position (GRCh38, 1-based): chr22:31,766,603, G>A. VCF-style: chr22-31766603-G-A. GRCh37 (hg19) VCF-style: chr22-32162589-G-A.
Other names: c.298G>A, p.Val100Met (NM_001007188.4, NM_001136029.4, NM_001242897.2 and 7 more transcripts); c.279+1543G>A (NM_001369902.1, NM_001369901.1); short protein forms V100M.
Identifiers: ClinVar variation 210844 (VCV000210844.12), dbSNP rs797045522, ClinGen allele CA208625.